The following is an entry in ClinVar:

ClinVar aggregate classification (germline): Uncertain significance (1 of 4 stars; one submission).

gnomAD v4.1: 8 of 1,607,698 alleles (0.0005%); highest among the groups gnomAD compares: African/African-American, 0.004%; no homozygotes.

Submission:

Labcorp Genetics (formerly Invitae), Labcorp
Classification: Uncertain significance. Last evaluated: 2025-02-17. Review status: criteria provided, single submitter. Criteria: Invitae Variant Classification Sherloc (09022015). Collection method: clinical testing. Allele origin: germline.
Comment: This sequence change replaces asparagine, which is neutral and polar, with lysine, which is basic and polar, at codon 782 of the JAK2 protein (p.Asn782Lys). This variant is present in population databases (no rsID available, gnomAD 0.01%). This variant has not been reported in the literature in individuals affected with JAK2-related conditions. Invitae Evidence Modeling of protein sequence and biophysical properties (such as structural, functional, and spatial information, amino acid conservation, physicochemical variation, residue mobility, and thermodynamic stability) indicates that this missense variant is not expected to disrupt JAK2 protein function with a negative predictive value of 80%. In summary, the available evidence is currently insufficient to determine the role of this variant in disease. Therefore, it has been classified as a Variant of Uncertain Significance.

NM_004972.4(JAK2):c.2346C>A (p.Asn782Lys)

Genes: INSL6 (insulin like 6; minus strand), JAK2 (Janus kinase 2; plus strand). Cytogenetic location: 9p24.1.
Variant type: single nucleotide variant.
Coding change: c.2346C>A on transcript NM_004972.4 (MANE Select); coding-DNA position 2346, C replaced by A.
Protein change: p.Asn782Lys; replaces asparagine 782 with lysine.
Molecular consequence: missense variant. On other transcripts: non-coding transcript variant (2).
Genome position (GRCh38, 1-based): chr9:5,080,595, C>A. VCF-style: chr9-5080595-C-A. GRCh37 (hg19) VCF-style: chr9-5080595-C-A.
Other names: c.2346C>A, p.Asn782Lys (NM_001322194.2, NM_001322195.2, NM_001322196.2); c.1131C>A, p.Asn377Lys (NM_001322198.2, NM_001322199.2); c.1899C>A, p.Asn633Lys (NM_001322204.2); short protein forms N377K, N633K, N782K.
Identifiers: ClinVar variation 3611295 (VCV003611295.2).